The following is an entry in ClinVar:

NM_022124.6(CDH23):c.1873C>T (p.Arg625Cys)

Gene: CDH23 (cadherin related 23; plus strand). Cytogenetic location: 10q22.1.
Variant type: single nucleotide variant.
Coding change: c.1873C>T on transcript NM_022124.6 (MANE Select); coding-DNA position 1873, C replaced by T.
Protein change: p.Arg625Cys; replaces arginine 625 with cysteine.
Molecular consequence: missense variant.
Genome position (GRCh38, 1-based): chr10:71,682,459, C>T. VCF-style: chr10-71682459-C-T. GRCh37 (hg19) VCF-style: chr10-73442216-C-T.
Other names: c.1873C>T, p.Arg625Cys (NM_001171930.2, NM_001171931.2); short protein forms R625C.
Identifiers: ClinVar variation 2139100 (VCV002139100.2), dbSNP rs374592204, ClinGen allele CA5544010.

ClinVar aggregate classification (germline): Uncertain significance. Review status: criteria provided, multiple submitters, no conflicts (2 of 4 stars). 2 submissions from 2 submitters: Uncertain significance (2). Last evaluated 2023-09-08.

Allele frequency attached by ClinVar (database versions not stated): TOPMed 0.00002; ExAC 0.00004; gnomAD 0.00005; gnomAD exomes 0.00007; ESP Exome Variant Server 0.00008.
gnomAD v4.1: 102 of 1,611,768 alleles (0.0063%); highest among the groups gnomAD compares: African/African-American, 0.012%; no homozygotes.

Submissions (2):

Blueprint Genetics
Classification: Uncertain significance. Last evaluated: 2023-09-08. Review status: criteria provided, single submitter. Criteria: ACMG Guidelines, 2015. Collection method: clinical testing. Allele origin: germline.

Labcorp Genetics (formerly Invitae), Labcorp
Classification: Uncertain significance. Last evaluated: 2022-05-15. Review status: criteria provided, single submitter. Criteria: Invitae Variant Classification Sherloc (09022015). Collection method: clinical testing. Allele origin: germline.
Comment: This sequence change replaces arginine, which is basic and polar, with cysteine, which is neutral and slightly polar, at codon 625 of the CDH23 protein (p.Arg625Cys). This variant is present in population databases (rs374592204, gnomAD 0.009%). This variant has not been reported in the literature in individuals affected with CDH23-related conditions. Algorithms developed to predict the effect of missense changes on protein structure and function are either unavailable or do not agree on the potential impact of this missense change (SIFT: "Deleterious"; PolyPhen-2: "Not Available"; Align-GVGD: "Class C45"). In summary, the available evidence is currently insufficient to determine the role of this variant in disease. Therefore, it has been classified as a Variant of Uncertain Significance.